The following is an entry in ClinVar:

ClinVar aggregate classification (germline): Uncertain significance. Review status: criteria provided, multiple submitters, no conflicts (2 of 4 stars). 2 submissions from 2 submitters: Uncertain significance (2). Last evaluated 2025-09-03.

Conditions:
Cardiovascular phenotype. Identifiers: MedGen CN230736.
Primary dilated cardiomyopathy (DCM). Also called: Dilated Cardiomyopathy. Identifiers: Orphanet 217604, MedGen C0007193, MeSH D002311, MONDO:0005021, HP:0001644. Inheritance: Various modes of inheritance.

Allele frequency attached by ClinVar (database versions not stated): gnomAD 0.00001; gnomAD exomes 0.00001; TOPMed 0.00002.
gnomAD v4.1: 7 of 1,613,906 alleles (0.00043%); highest among the groups gnomAD compares: Admixed American, 0.0083%; no homozygotes.

Submissions (2):

Labcorp Genetics (formerly Invitae), Labcorp
Classification: Uncertain significance for Primary dilated cardiomyopathy. Last evaluated: 2025-09-03. Review status: criteria provided, single submitter. Criteria: Invitae Variant Classification Sherloc (09022015). Collection method: clinical testing. Allele origin: germline.
Comment: This sequence change replaces leucine, which is neutral and non-polar, with arginine, which is basic and polar, at codon 287 of the TXNRD2 protein (p.Leu287Arg). This variant is present in population databases (no rsID available, gnomAD 0.009%). This variant has not been reported in the literature in individuals affected with TXNRD2-related conditions. ClinVar contains an entry for this variant (Variation ID: 407096). Invitae Evidence Modeling of protein sequence and biophysical properties (such as structural, functional, and spatial information, amino acid conservation, physicochemical variation, residue mobility, and thermodynamic stability) indicates that this missense variant is not expected to disrupt TXNRD2 protein function with a negative predictive value of 80%. In summary, the available evidence is currently insufficient to determine the role of this variant in disease. Therefore, it has been classified as a Variant of Uncertain Significance.

Ambry Genetics
Classification: Uncertain significance for Cardiovascular phenotype. Last evaluated: 2024-04-13. Review status: criteria provided, single submitter. Criteria: Ambry Variant Classification Scheme 2023. Collection method: clinical testing. Allele origin: germline.
Comment: The p.L287R variant (also known as c.860T>G), located in coding exon 11 of the TXNRD2 gene, results from a T to G substitution at nucleotide position 860. The leucine at codon 287 is replaced by arginine, an amino acid with dissimilar properties. This amino acid position is conserved. In addition, this alteration is predicted to be tolerated by in silico analysis. Based on the available evidence, the clinical significance of this variant remains unclear.

NM_006440.5(TXNRD2):c.860T>G (p.Leu287Arg)

Gene: TXNRD2 (thioredoxin reductase 2; minus strand). Cytogenetic location: 22q11.21.
Variant type: single nucleotide variant.
Coding change: c.860T>G on transcript NM_006440.5 (MANE Select); coding-DNA position 860, T replaced by G.
Protein change: p.Leu287Arg; replaces leucine 287 with arginine.
Molecular consequence: missense variant. On other transcripts: non-coding transcript variant (1).
Genome position (GRCh38, 1-based): chr22:19,895,496, A>C on the plus strand (T>G on the coding strand, the complement: TXNRD2 is on the minus strand). VCF-style: chr22-19895496-A-C. GRCh37 (hg19) VCF-style: chr22-19883019-A-C.
Other names: c.860T>G, p.Leu287Arg (NM_001282512.3); c.857T>G, p.Leu286Arg (NM_001352300.2); c.770T>G, p.Leu257Arg (NM_001352301.2); c.572T>G, p.Leu191Arg (NM_001352302.2); c.764T>G, p.Leu255Arg (NM_001352303.2); c.860T>G (NM_006440.3); short protein forms L287R, L191R, L255R, L257R, L286R.
Identifiers: ClinVar variation 407096 (VCV000407096.10), dbSNP rs989125451, ClinGen allele CA16616313.